The following is an entry in ClinVar:

NM_006160.4(NEUROD2):c.-1C>T

Gene: NEUROD2 (neuronal differentiation 2; minus strand). Cytogenetic location: 17q12.
Variant type: single nucleotide variant.
Coding change: c.-1C>T on transcript NM_006160.4 (MANE Select); 1 bases upstream of the start codon, C replaced by T.
Molecular consequence: 5 prime UTR variant.
Genome position (GRCh38, 1-based): chr17:39,606,600, G>A on the plus strand (C>T on the coding strand, the complement: NEUROD2 is on the minus strand). VCF-style: chr17-39606600-G-A. GRCh37 (hg19) VCF-style: chr17-37762853-G-A.
Identifiers: ClinVar variation 3364543 (VCV003364543.1).

ClinVar aggregate classification (germline): Uncertain significance (1 of 4 stars; one submission).

Submission:

GeneDx
Classification: Uncertain significance. Last evaluated: 2023-12-03. Review status: criteria provided, single submitter. Criteria: GeneDx Variant Classification Process June 2021. Collection method: clinical testing. Allele origin: germline. Affected: yes.
Comment: Not observed at significant frequency in large population cohorts (gnomAD); Has not been previously published as pathogenic or benign to our knowledge